The following is an entry in ClinVar:

ClinVar aggregate classification (germline): Benign/Likely benign. Review status: criteria provided, multiple submitters, no conflicts (2 of 4 stars). 3 submissions from 3 submitters: Benign (1); Likely benign (2). Last evaluated 2026-02-02.

Conditions:
MHC class II deficiency. Also called: Bare lymphocyte syndrome 2; BLS, TYPE II. Identifiers: Orphanet 572, MedGen C5447452, MONDO:0008855.

Allele frequency attached by ClinVar (database versions not stated): gnomAD exomes 0.00021 and 0.00053; ExAC 0.00064; ESP Exome Variant Server 0.00185; gnomAD 0.00243 and 0.00260; TOPMed 0.00275; 1000 Genomes Project 30x 0.00281; 1000 Genomes Project 0.00300.
gnomAD v4.1: 692 of 1,613,674 alleles (0.043%); highest among the groups gnomAD compares: African/African-American, 0.79%; 3 homozygotes.

Submissions (3):

Labcorp Genetics (formerly Invitae), Labcorp
Classification: Benign for MHC class II deficiency. Last evaluated: 2026-02-02. Review status: criteria provided, single submitter. Criteria: Invitae Variant Classification Sherloc (09022015). Collection method: clinical testing. Allele origin: germline.

Blueprint Genetics
Classification: Likely benign. Last evaluated: 2024-11-25. Review status: criteria provided, single submitter. Criteria: ACMG Guidelines, 2015. Collection method: clinical testing. Allele origin: germline.

Illumina Laboratory Services, Illumina
Classification: Likely benign for MHC class II deficiency 1. Last evaluated: 2018-01-13. Review status: criteria provided, single submitter. Criteria: ICSL Variant Classification Criteria 13 December 2019. Collection method: clinical testing. Allele origin: germline.
Comment: This variant was observed in the ICSL laboratory as part of a predisposition screen in an ostensibly healthy population. It had not been previously curated by ICSL or reported in the Human Gene Mutation Database (HGMD: prior to June 1st, 2018), and was therefore a candidate for classification through an automated scoring system. Utilizing variant allele frequency, disease prevalence and penetrance estimates, and inheritance mode, an automated score was calculated to assess if this variant is too frequent to cause the disease. Based on the score and internal cut-off values, a variant classified as likely benign is not then subjected to further curation. The score for this variant resulted in a classification of likely benign for this disease.

NM_000246.4(CIITA):c.53-12C>T

Gene: CIITA (class II major histocompatibility complex transactivator; plus strand). Cytogenetic location: 16p13.13.
Variant type: single nucleotide variant.
Coding change: c.53-12C>T on transcript NM_000246.4 (MANE Select); 12 bases into the intron before coding-DNA position 53, C replaced by T.
Molecular consequence: intron variant.
Genome position (GRCh38, 1-based): chr16:10,895,270, C>T. VCF-style: chr16-10895270-C-T. GRCh37 (hg19) VCF-style: chr16-10989127-C-T.
Other names: c.53-12C>T (NM_001286402.1, NM_001379332.1, NM_001379330.1 and 3 more transcripts); c.-20-12C>T (NM_001379334.1).
Identifiers: ClinVar variation 887410 (VCV000887410.12), dbSNP rs112310350, ClinGen allele CA7899559.